The following is an entry in ClinVar:

NM_153212.3(GJB4):c.50_151del (p.Ser17_Asp50del)

Gene: GJB4 (gap junction protein beta 4; plus strand). Cytogenetic location: 1p34.3.
Variant type: Deletion.
Coding change: c.50_151del on transcript NM_153212.3 (MANE Select); coding-DNA positions 50 to 151, 102 bases deleted.
Protein change: p.Ser17_Asp50del.
Molecular consequence: inframe deletion.
Genome position (GRCh38, 1-based): chr1:34,761,304-34,761,405, 102 bases deleted. GRCh37 (hg19): chr1:35,226,905-35,227,006.
Identifiers: ClinVar variation 2812708 (VCV002812708.3), dbSNP rs1557652174, ClinGen allele CA417248145.

ClinVar aggregate classification (germline): Uncertain significance (1 of 4 stars; one submission).

Submission:

Labcorp Genetics (formerly Invitae), Labcorp
Classification: Uncertain significance. Last evaluated: 2022-11-07. Review status: criteria provided, single submitter. Criteria: Invitae Variant Classification Sherloc (09022015). Collection method: clinical testing. Allele origin: germline.
Comment: In summary, the available evidence is currently insufficient to determine the role of this variant in disease. Therefore, it has been classified as a Variant of Uncertain Significance. Experimental studies and prediction algorithms are not available or were not evaluated, and the functional significance of this variant is currently unknown. This variant has not been reported in the literature in individuals affected with GJB4-related conditions. This variant is present in population databases (no rsID available, gnomAD 0.003%). This variant, c.50_151del, results in the deletion of 34 amino acid(s) of the GJB4 protein (p.Ser17_Asp50del), but otherwise preserves the integrity of the reading frame.